The following is an entry in ClinVar:

ClinVar aggregate classification (germline): Benign. Review status: criteria provided, multiple submitters, no conflicts (2 of 4 stars). 2 submissions from 2 submitters: Benign (2). Last evaluated 2018-06-19.

Allele frequency attached by ClinVar (database versions not stated): gnomAD 0.11520 and 0.11630; 1000 Genomes Project 30x 0.06761; 1000 Genomes Project 0.06669; TOPMed 0.10794; gnomAD exomes 0.12249.

Submissions (2):

GeneDx
Classification: Benign. Last evaluated: 2018-06-19. Review status: criteria provided, single submitter. Criteria: GeneDx Variant Classification (06012015). Collection method: clinical testing. Allele origin: germline. Affected: yes.
Comment: This variant is considered likely benign or benign based on one or more of the following criteria: it is a conservative change, it occurs at a poorly conserved position in the protein, it is predicted to be benign by multiple in silico algorithms, and/or has population frequency not consistent with disease.

Breakthrough Genomics
Classification: Benign. Review status: criteria provided, single submitter. Criteria: ACMG Guidelines, 2015. Collection method: not provided. Allele origin: germline. Inheritance: Autosomal recessive inheritance. Affected: yes.

NM_139343.2(BIN1):c.-403C>G

Genes: BIN1 (bridging integrator 1; minus strand), LOC122819150 (Sharpr-MPRA regulatory region 2128; plus strand). Cytogenetic location: 2q14.3.
Variant type: single nucleotide variant.
Coding change: c.-403C>G on transcript NM_139343.2; 403 bases upstream of the start codon, C replaced by G.
Genome position (GRCh38, 1-based): chr2:127,107,346, G>C on the plus strand (C>G on the coding strand, the complement: BIN1 is on the minus strand). VCF-style: chr2-127107346-G-C. GRCh37 (hg19) VCF-style: chr2-127864922-G-C.
Identifiers: ClinVar variation 679852 (VCV000679852.4), dbSNP rs78710909, ClinGen allele CA55353542.